The following is an entry in ClinVar:

NM_006268.5(DPF2):c.970T>G (p.Cys324Gly)

Gene: DPF2 (double PHD fingers 2; plus strand). Cytogenetic location: 11q13.1.
Variant type: single nucleotide variant.
Coding change: c.970T>G on transcript NM_006268.5 (MANE Select); coding-DNA position 970, T replaced by G.
Protein change: p.Cys324Gly; replaces cysteine 324 with glycine.
Molecular consequence: missense variant.
Genome position (GRCh38, 1-based): chr11:65,346,312, T>G. VCF-style: chr11-65346312-T-G. GRCh37 (hg19) VCF-style: chr11-65113783-T-G.
Other names: c.1012T>G, p.Cys338Gly (NM_001330308.2); short protein forms C324G, C338G.
Identifiers: ClinVar variation 3064790 (VCV003064790.1), dbSNP rs2495407169, ClinGen allele CA381231802.

ClinVar aggregate classification (germline): Likely pathogenic (1 of 4 stars; one submission).

Conditions:
Coffin-Siris syndrome 7. Identifiers: MedGen C4747954, MONDO:0054831, OMIM 618027.

Submission:

Institute of Medical Genetics, University of Zurich
Classification: Likely pathogenic for Coffin-Siris syndrome 7. Last evaluated: 2024-03-26. Review status: criteria provided, single submitter. Criteria: ACMG Guidelines, 2015. Collection method: clinical testing. Allele origin: germline. Affected: yes.
Comment: ACMG criteria applied: PM1 (affects a highly conserved cysteine residue in the PHD1 zinc finger hotspot domain), PM2 (absent from controls), PP1 (Cosegregation with disease in multiple affected family members), PP3 (in silico programs predict a deleterious effect)

Literature cited by the submitters: PubMed 29429572.